The following is an entry in ClinVar:

ClinVar aggregate classification (germline): Uncertain significance. Review status: criteria provided, multiple submitters, no conflicts (2 of 4 stars). 2 submissions from 2 submitters: Uncertain significance (2). Last evaluated 2023-11-19.

Conditions:
Autosomal dominant hypocalcemia 1 (HYPOC1). Also called: HYPOCALCEMIA, FAMILIAL. Identifiers: MedGen C3715128, MONDO:0011013, OMIM 601198.
Familial hypocalciuric hypercalcemia (FHH). Also called: Familial benign hypercalcemia. Identifiers: Orphanet 405, MedGen C1809471, MONDO:0018458.
Nephrolithiasis/nephrocalcinosis. Identifiers: MedGen CN580796.

Allele frequency attached by ClinVar (database versions not stated): gnomAD exomes 0.00001; TOPMed 0.00001.
gnomAD v4.1: 3 of 1,614,236 alleles (0.00019%); highest among the groups gnomAD compares: East Asian, 0.0045%; no homozygotes.

Submissions (2):

Labcorp Genetics (formerly Invitae), Labcorp
Classification: Uncertain significance for Familial hypocalciuric hypercalcemia; Autosomal dominant hypocalcemia 1. Last evaluated: 2023-11-19. Review status: criteria provided, single submitter. Criteria: Invitae Variant Classification Sherloc (09022015). Collection method: clinical testing. Allele origin: germline.
Comment: This sequence change replaces isoleucine, which is neutral and non-polar, with asparagine, which is neutral and polar, at codon 252 of the CASR protein (p.Ile252Asn). This variant is not present in population databases (gnomAD no frequency). This variant has not been reported in the literature in individuals affected with CASR-related conditions. ClinVar contains an entry for this variant (Variation ID: 1759521). An algorithm developed to predict the effect of missense changes on protein structure and function (PolyPhen-2) suggests that this variant is likely to be disruptive. In summary, the available evidence is currently insufficient to determine the role of this variant in disease. Therefore, it has been classified as a Variant of Uncertain Significance.

Ambry Genetics
Classification: Uncertain significance for Nephrolithiasis/nephrocalcinosis. Last evaluated: 2022-05-01. Review status: criteria provided, single submitter. Criteria: Ambry Variant Classification Scheme 2023. Collection method: clinical testing. Allele origin: germline.
Comment: The p.I252N variant (also known as c.755T>A), located in coding exon 3 of the CASR gene, results from a T to A substitution at nucleotide position 755. The isoleucine at codon 252 is replaced by asparagine, an amino acid with dissimilar properties. This amino acid position is conserved. In addition, this alteration is predicted to be deleterious by in silico analysis. Since supporting evidence is limited at this time, the clinical significance of this alteration remains unclear.

NM_000388.4(CASR):c.755T>A (p.Ile252Asn)

Gene: CASR (calcium sensing receptor; plus strand). Cytogenetic location: 3q21.1.
Variant type: single nucleotide variant.
Coding change: c.755T>A on transcript NM_000388.4 (MANE Select); coding-DNA position 755, T replaced by A.
Protein change: p.Ile252Asn; replaces isoleucine 252 with asparagine.
Molecular consequence: missense variant.
Genome position (GRCh38, 1-based): chr3:122,261,790, T>A. VCF-style: chr3-122261790-T-A. GRCh37 (hg19) VCF-style: chr3-121980637-T-A.
Other names: c.755T>A, p.Ile252Asn (NM_001178065.2); short protein forms I252N.
Identifiers: ClinVar variation 1759521 (VCV001759521.7), dbSNP rs2074626618, ClinGen allele CA354151285.